The following is an entry in ClinVar:

ClinVar aggregate classification (germline): Likely benign (0 of 4 stars; one submission).

Conditions:
KCNQ1-related disorder. Also called: KCNQ1-related condition; KCNQ1-related disorders. Identifiers: MedGen CN239322.

Allele frequency attached by ClinVar (database versions not stated): TOPMed 0.00088; 1000 Genomes Project 30x 0.00172; 1000 Genomes Project 0.00200.
gnomAD v4.1: 170 of 398,498 alleles (0.043%); highest among the groups gnomAD compares: African/African-American, 0.29%; no homozygotes.

Submission:

PreventionGenetics, part of Exact Sciences
Classification: Likely benign for KCNQ1-related condition. Last evaluated: 2020-12-16. Review status: no assertion criteria provided. Collection method: clinical testing. Allele origin: germline.
Comment: This variant is classified as likely benign based on ACMG/AMP sequence variant interpretation guidelines (Richards et al. 2015 PMID: 25741868, with internal and published modifications).

NM_000218.3(KCNQ1):c.1514+36979T>A

Genes: KCNQ1 (potassium voltage-gated channel subfamily Q member 1; plus strand), KCNQ1OT1 (KCNQ1 opposite strand/antisense transcript 1; minus strand). Cytogenetic location: 11p15.5.
Variant type: single nucleotide variant.
Coding change: c.1514+36979T>A on transcript NM_000218.3 (MANE Select); 36979 bases into the intron after coding-DNA position 1514, T replaced by A.
Molecular consequence: intron variant. On other transcripts: non-coding transcript variant (1).
Genome position (GRCh38, 1-based): chr11:2,699,060, T>A. VCF-style: chr11-2699060-T-A. GRCh37 (hg19) VCF-style: chr11-2720290-T-A.
Other names: c.1244+36979T>A (NM_001406837.1); c.1418+36979T>A (NM_001406836.1); c.974+36979T>A (NM_001406838.1); c.1133+36979T>A (NM_181798.2).
Identifiers: ClinVar variation 3035199 (VCV003035199.2), dbSNP rs147765220, ClinGen allele CA216197898.